The following is an entry in ClinVar:

ClinVar aggregate classification (germline): Uncertain significance (1 of 4 stars; one submission).

Conditions:
Aicardi-Goutieres syndrome 4. Identifiers: Orphanet 51, MedGen C1835912, MONDO:0012472, OMIM 610333.

Allele frequency attached by ClinVar (database versions not stated): gnomAD exomes below 0.00001.
gnomAD v4.1: 1 of 1,614,074 alleles (0.000062%); highest among the groups gnomAD compares: Non-Finnish European, 0.000085%; no homozygotes.

Submission:

Labcorp Genetics (formerly Invitae), Labcorp
Classification: Uncertain significance for Aicardi-Goutieres syndrome 4. Last evaluated: 2022-07-26. Review status: criteria provided, single submitter. Criteria: Invitae Variant Classification Sherloc (09022015). Collection method: clinical testing. Allele origin: germline.
Comment: In summary, the available evidence is currently insufficient to determine the role of this variant in disease. Therefore, it has been classified as a Variant of Uncertain Significance. Algorithms developed to predict the effect of missense changes on protein structure and function are either unavailable or do not agree on the potential impact of this missense change (SIFT: "Tolerated"; PolyPhen-2: "Probably Damaging"; Align-GVGD: "Class C0"). This variant has not been reported in the literature in individuals affected with RNASEH2A-related conditions. This variant is not present in population databases (gnomAD no frequency). This sequence change replaces histidine, which is basic and polar, with proline, which is neutral and non-polar, at codon 285 of the RNASEH2A protein (p.His285Pro).

NM_006397.3(RNASEH2A):c.854A>C (p.His285Pro)

Gene: RNASEH2A (ribonuclease H2 subunit A; plus strand). Cytogenetic location: 19p13.13.
Variant type: single nucleotide variant.
Coding change: c.854A>C on transcript NM_006397.3 (MANE Select); coding-DNA position 854, A replaced by C.
Protein change: p.His285Pro; replaces histidine 285 with proline.
Molecular consequence: missense variant.
Genome position (GRCh38, 1-based): chr19:12,813,420, A>C. VCF-style: chr19-12813420-A-C. GRCh37 (hg19) VCF-style: chr19-12924234-A-C.
Other names: short protein forms H285P.
Identifiers: ClinVar variation 1914431 (VCV001914431.3), dbSNP rs2512480198, ClinGen allele CA404269921.